The following is an entry in ClinVar:

ClinVar aggregate classification (germline): Uncertain significance (1 of 4 stars; one submission).

Conditions:
Familial thoracic aortic aneurysm and aortic dissection (TAAD). Also called: Thoracic aortic aneurysms and dissections. Identifiers: Orphanet 91387, MedGen C4707243, MONDO:0019625.

Submission:

Ambry Genetics
Classification: Uncertain significance for Familial thoracic aortic aneurysm and aortic dissection. Last evaluated: 2025-12-16. Review status: criteria provided, single submitter. Criteria: Ambry Variant Classification Scheme 2023. Collection method: clinical testing. Allele origin: germline.
Comment: The p.L1572V variant (also known as c.4714C>G), located in coding exon 32 of the MYH11 gene, results from a C to G substitution at nucleotide position 4714. The leucine at codon 1572 is replaced by valine, an amino acid with highly similar properties. This amino acid position is conserved. In addition, this alteration is predicted to be tolerated by in silico analysis. Based on the available evidence, the clinical significance of this variant remains unclear.

NM_002474.3(MYH11):c.4714C>G (p.Leu1572Val)

Genes: MYH11 (myosin heavy chain 11; minus strand), NDE1 (nudE neurodevelopment protein 1; plus strand). Cytogenetic location: 16p13.11.
Variant type: single nucleotide variant.
Coding change: c.4714C>G on transcript NM_002474.3 (MANE Select); coding-DNA position 4714, C replaced by G.
Protein change: p.Leu1572Val; replaces leucine 1572 with valine.
Molecular consequence: missense variant. On other transcripts: intron variant (2).
Genome position (GRCh38, 1-based): chr16:15,720,916, G>C on the plus strand (C>G on the coding strand, the complement: MYH11 is on the minus strand). VCF-style: chr16-15720916-G-C. GRCh37 (hg19) VCF-style: chr16-15814773-G-C.
Other names: c.4735C>G, p.Leu1579Val (NM_001040113.2, NM_001040114.2); c.4714C>G, p.Leu1572Val (NM_022844.3); c.948-3275G>C (NM_001143979.2, NM_017668.3); short protein forms L1572V, L1579V.
Identifiers: ClinVar variation 4841540 (VCV004841540.1).
Genomic context (GRCh38, chr16:15,720,916, plus strand): 5'-TCCTCTTCTCCTCATTCTGCTCGTCCCGGGCTTGGAGATCCCTTTCGAACTGGCCCTTGA[G>C]CGCCTGCATGTTGACTTCCAGCCGCAGTTTGGCGTCCTCCGTGGCTTGCAGCTCGTCCTC-3'
Protein context (NP_002465.1, residues 1562-1582): KLRLEVNMQA[Leu1572Val]KGQFERDLQA